The following is an entry in ClinVar:

NM_004991.4(MECOM):c.2674C>A (p.Leu892Ile)

Gene: MECOM (MDS1 and EVI1 complex locus; minus strand). Cytogenetic location: 3q26.2.
Variant type: single nucleotide variant.
Coding change: c.2674C>A on transcript NM_004991.4 (MANE Select); coding-DNA position 2674, C replaced by A.
Protein change: p.Leu892Ile; replaces leucine 892 with isoleucine.
Molecular consequence: missense variant.
Genome position (GRCh38, 1-based): chr3:169,102,157, G>T on the plus strand (C>A on the coding strand, the complement: MECOM is on the minus strand). VCF-style: chr3-169102157-G-T. GRCh37 (hg19) VCF-style: chr3-168819945-G-T.
Other names: c.2305C>A, p.Leu769Ile (NM_001105077.4); c.2110C>A, p.Leu704Ile (NM_001105078.4, NM_001205194.2, NM_001366469.2 and 1 more transcripts); c.2086C>A, p.Leu696Ile (NM_001163999.2, NM_001366470.2); c.2083C>A, p.Leu695Ile (NM_001164000.2, NM_001366471.2, NM_001366472.2); c.2647C>A, p.Leu883Ile (NM_001366466.2); c.2113C>A, p.Leu705Ile (NM_001366467.2, NM_001366468.2); c.1675C>A, p.Leu559Ile (NM_001366473.2); c.1111C>A, p.Leu371Ile (NM_001366474.2); and 1 more; short protein forms L559I, L695I, L371I, L696I, L769I, L705I, L883I, L704I.
Identifiers: ClinVar variation 2868752 (VCV002868752.5), dbSNP rs36043407, ClinGen allele CA87587530.

ClinVar aggregate classification (germline): Uncertain significance. Review status: criteria provided, multiple submitters, no conflicts (2 of 4 stars). 2 submissions from 2 submitters: Uncertain significance (2). Last evaluated 2025-04-03.

Conditions:
Inborn genetic diseases. Identifiers: MedGen C0950123, MeSH D030342.

Allele frequency attached by ClinVar (database versions not stated): gnomAD exomes below 0.00001; TOPMed 0.00003; gnomAD 0.00006.
gnomAD v4.1: 13 of 1,613,790 alleles (0.00081%); highest among the groups gnomAD compares: African/African-American, 0.015%; no homozygotes.

Submissions (2):

Ambry Genetics
Classification: Uncertain significance for Inborn genetic diseases. Last evaluated: 2025-04-03. Review status: criteria provided, single submitter. Criteria: Ambry Variant Classification Scheme 2023. Collection method: clinical testing. Allele origin: germline.

Labcorp Genetics (formerly Invitae), Labcorp
Classification: Uncertain significance. Last evaluated: 2023-08-29. Review status: criteria provided, single submitter. Criteria: Invitae Variant Classification Sherloc (09022015). Collection method: clinical testing. Allele origin: germline.
Comment: In summary, the available evidence is currently insufficient to determine the role of this variant in disease. Therefore, it has been classified as a Variant of Uncertain Significance. An algorithm developed to predict the effect of missense changes on protein structure and function (PolyPhen-2) suggests that this variant is likely to be tolerated. This variant has not been reported in the literature in individuals affected with MECOM-related conditions. This variant is present in population databases (rs36043407, gnomAD 0.008%). This sequence change replaces leucine, which is neutral and non-polar, with isoleucine, which is neutral and non-polar, at codon 704 of the MECOM protein (p.Leu704Ile).